The following is an entry in ClinVar:

NC_000002.12:g.136329578G>T

Genes: THSD7B (thrombospondin type 1 domain containing 7B; plus strand), CXCR4 (C-X-C motif chemokine receptor 4; minus strand). Cytogenetic location: 2q22.1.
Variant type: single nucleotide variant.
Genome position: GRCh38 VCF-style: chr2-136329578-G-T. GRCh37 (hg19) VCF-style: chr2-137087148-G-T.
Identifiers: ClinVar variation 3900035 (VCV003900035.1).

ClinVar aggregate classification (germline): drug response (0 of 4 stars; one submission).

Conditions:
Thalidomide response. Identifiers: MedGen CN297989.

Submission:

Rare Diseases Genetics and Genomics, Islamia College Peshawar
Classification: drug response for Thalidomide response. Review status: no assertion criteria provided. Collection method: research. Allele origin: germline. Affected: yes.
Comment: this variant was associated with non-response to thalidomide (not achieving transfusion independence)